The following is an entry in ClinVar:

ClinVar aggregate classification (germline): Pathogenic/Likely pathogenic. Review status: criteria provided, multiple submitters, no conflicts (2 of 4 stars). 6 submissions from 6 submitters: Pathogenic (5); Likely pathogenic (1). Last evaluated 2025-05-12.

Conditions:
Transient bullous dermolysis of the newborn (TBDN). Also called: EPIDERMOLYSIS BULLOSA DYSTROPHICA, NEONATAL FORM; DYSTROPHIC EPIDERMOLYSIS BULLOSA, NEONATAL. Identifiers: Orphanet 79411, MedGen C1851573, MONDO:0007548, OMIM 131705.
Recessive dystrophic epidermolysis bullosa (RDEB). Also called: Recessive DEB (RDEB); DYSTROPHIC EPIDERMOLYSIS BULLOSA, AUTOSOMAL RECESSIVE; EPIDERMOLYSIS BULLOSA DYSTROPHICA, HALLOPEAU-SIEMENS TYPE; Epidermolysis Bullosa Distrophica Autosomal Recessive (RDEB); Hallopeau-Siemens Disease; severe generalized recessive dystrophic epidermolysis bullosa. Identifiers: Orphanet 79408, Orphanet 79409, MedGen C0079474, MONDO:0009179, OMIM 226600.
Nonsyndromic congenital nail disorder 8. Also called: TOENAIL DYSTROPHY, ISOLATED. Identifiers: MedGen C1843761, MONDO:0011852, OMIM 607523.
Epidermolysis bullosa pruriginosa. Also called: DEB, PRURIGINOSA; DYSTROPHIC EPIDERMOLYSIS BULLOSA PRURIGINOSA. Identifiers: Orphanet 89843, MedGen C1275114, MONDO:0011398, OMIM 604129.
Pretibial dystrophic epidermolysis bullosa. Also called: EPIDERMOLYSIS BULLOSA DYSTROPHICA, PRETIBIAL; Pretibial epidermolysis bullosa; Pretibial blistering. Identifiers: Orphanet 79410, MedGen C0432321, MONDO:0007552, OMIM 131850, HP:0012221.
Dominant dystrophic epidermolysis bullosa with absence of skin. Also called: EPIDERMOLYSIS BULLOSA DYSTROPHICA, BART TYPE; EPIDERMOLYSIS BULLOSA WITH CONGENITAL LOCALIZED ABSENCE OF SKIN AND DEFORMITY OF NAILS. Identifiers: MedGen C0268371, MONDO:0007557, OMIM 132000.
Generalized dominant dystrophic epidermolysis bullosa (DDEB). Also called: Dominant DEB (DDEB); DDEB, generalized; DDEB-gen; DYSTROPHIC EPIDERMOLYSIS BULLOSA, AUTOSOMAL DOMINANT; Epidermolysis bullosa dystrophica, autosomal dominant. Identifiers: Orphanet 231568, MedGen C0432322, MONDO:0007549, OMIM 131750.
Epidermolysis bullosa dystrophica. Also called: Dystrophic epidermolysis bullosa, Hallopeau-Siemens type (formerly); Dystrophic epidermolysis bullosa. Identifiers: Orphanet 303, MedGen C0079294, MONDO:0006543.
COL7A1-related disorder. Also called: COL7A1- related disorders; COL7A1-related condition.

Allele frequency attached by ClinVar (database versions not stated): gnomAD exomes below 0.00001.
gnomAD v4.1: 1 of 1,613,978 alleles (0.000062%); highest among the groups gnomAD compares: Non-Finnish European, 0.000085%; no homozygotes.

Submissions (6):

Myriad Genetics, Inc.
Classification: Likely pathogenic for Recessive dystrophic epidermolysis bullosa. Last evaluated: 2025-05-12. Review status: criteria provided, single submitter. Criteria: Myriad Autosomal Dominant, Autosomal Recessive and X-Linked Classification Criteria (2023). Collection method: clinical testing. Allele origin: unknown.
Comment: NM_000094.3(COL7A1):c.4965C>T(aka G1655=) is a silent variant classified as likely pathogenic in the context of dystrophic epidermolysis bullosa. G1655= has been observed in cases with relevant disease (PMID: 12207583, 16271705, 31557321, 34435747, 36430820, 38237731). Relevant functional assessments of this variant are available in the literature (PMID: 12207583). G1655= has not been observed in referenced population frequency databases. In summary, NM_000094.3(COL7A1):c.4965C>T(aka G1655=) is a silent variant that has been observed more frequently in cases with the relevant disease than in healthy populations. Please note: this variant was assessed in the context of healthy population screening.

Labcorp Genetics (formerly Invitae), Labcorp
Classification: Pathogenic. Last evaluated: 2025-04-13. Review status: criteria provided, single submitter. Criteria: Invitae Variant Classification Sherloc (09022015). Collection method: clinical testing. Allele origin: germline.
Comment: This sequence change affects codon 1655 of the COL7A1 mRNA. It is a 'silent' change, meaning that it does not change the encoded amino acid sequence of the COL7A1 protein. This variant is not present in population databases (gnomAD no frequency). This variant has been observed in individual(s) with autosomal recessive epidermolysis bullosa (PMID: 12207583, 24599399). In at least one individual the data is consistent with being in trans (on the opposite chromosome) from a pathogenic variant. It has also been observed to segregate with disease in related individuals. ClinVar contains an entry for this variant (Variation ID: 1073113). Algorithms developed to predict the effect of sequence changes on RNA splicing suggest that this variant may disrupt the consensus splice site. For these reasons, this variant has been classified as Pathogenic.

Natera, Inc.
Classification: Pathogenic for Dystrophic epidermolysis bullosa. Last evaluated: 2024-08-15. Review status: criteria provided, single submitter. Criteria: Natera Variant Classification Schema (03/2026). Collection method: clinical testing. Allele origin: germline.
Comment: The c.4965C>T variant in COL7A1 is a synonymous variant that does not alter the encoded amino acid at position 1655 (p.G1655=). This variant is rare in the general population with a frequency below the threshold expected for the associated phenotype(s). This variant has been observed in one or more individuals affected with the associated recessive disease, as either homozygous or compound heterozygous with a second variant (PMID: 12207583, 24599399, 38237731). Functional studies show that this variant may disrupt protein function (PMID: 12207583). Computational prediction algorithms indicate this variant is likely to affect gene or protein function. Given the available evidence, this variant is classified as Pathogenic.

Fulgent Genetics
Classification: Pathogenic for Transient bullous dermolysis of the newborn; Generalized dominant dystrophic epidermolysis bullosa; Pretibial dystrophic epidermolysis bullosa; Dominant dystrophic epidermolysis bullosa with absence of skin; Recessive dystrophic epidermolysis bullosa; Epidermolysis bullosa pruriginosa; Nonsyndromic congenital nail disorder 8. Last evaluated: 2024-02-15. Review status: criteria provided, single submitter. Criteria: ACMG Guidelines, 2015. Collection method: clinical testing. Allele origin: germline.

Women's Health and Genetics/Laboratory Corporation of America, LabCorp
Classification: Pathogenic for COL7A1-Related Disorders. Last evaluated: 2024-02-12. Review status: criteria provided, single submitter. Criteria: LabCorp Variant Classification Summary - May 2015. Collection method: clinical testing. Allele origin: germline.
Comment: Variant summary: COL7A1 c.4965C>T alters a non-conserved nucleotide resulting in a synonymous change. Several computational tools predict a significant impact on normal splicing: One predicts the variant strengthens a cryptic 5' splicing donor site and three predict the variant creates this site. At least one publication reports experimental evidence that this variant affects mRNA splicing (Gardella_2002). The variant was absent in 251192 control chromosomes (gnomAD). c.4965C>T has been reported in the literature in individuals affected with Dystrophic Epidermolysis Bullosa, Recessive (e.g. Gardella_2002, Odorisio_2014, Warshauer_2021), and some were reported as compound heterozygous with other pathogenic variants. These data indicate that the variant is likely to be associated with disease. The following publications have been ascertained in the context of this evaluation (PMID: 12207583, 34435747, 24599399). ClinVar contains an entry for this variant (Variation ID: 1073113). Based on the evidence outlined above, the variant was classified as pathogenic.

Mendelics
Classification: Pathogenic for Transient bullous dermolysis of the newborn. Last evaluated: 2022-05-04. Review status: criteria provided, single submitter. Criteria: Mendelics Assertion Criteria 2019. Collection method: clinical testing. Allele origin: germline.

Literature cited by the submitters: PubMed 12207583 (cited by 4 submitters); PubMed 16271705 (cited by Myriad Genetics, Inc.); PubMed 31557321 (cited by Myriad Genetics, Inc.); PubMed 34435747 (cited by Myriad Genetics, Inc. and Women's Health and Genetics/Laboratory Corporation of America, LabCorp); PubMed 36430820 (cited by Myriad Genetics, Inc.); PubMed 38237731 (cited by Myriad Genetics, Inc. and Natera, Inc.); PubMed 24599399 (cited by 3 submitters).

NM_000094.4(COL7A1):c.4965C>T (p.Gly1655=)

Gene: COL7A1 (collagen type VII alpha 1 chain; minus strand). Cytogenetic location: 3p21.31.
Variant type: single nucleotide variant.
Coding change: c.4965C>T on transcript NM_000094.4 (MANE Select); coding-DNA position 4965, C replaced by T.
Protein change: p.Gly1655=; no amino-acid change (glycine 1655 retained).
Molecular consequence: synonymous variant.
Genome position (GRCh38, 1-based): chr3:48,580,897, G>A on the plus strand (C>T on the coding strand, the complement: COL7A1 is on the minus strand). VCF-style: chr3-48580897-G-A. GRCh37 (hg19) VCF-style: chr3-48618330-G-A.
Other names: c.4965C>T (NM_000094.3).
Identifiers: ClinVar variation 1073113 (VCV001073113.11), dbSNP rs1560232515, ClinGen allele CA433541014.
Genomic context (GRCh38, chr3:48,580,897, plus strand): 5'-GCCCACCTCCCATCACCCCTGTTACTTCTCTCTGCCAAGACTCACCCGAAGGCCACGCTC[G>A]CCTGCTTTTCCAGGCAAACCCGGGTCACCCTGGTGATAGAGAGAAAAGTCATACTGCACA-3'
Protein context (NP_000085.1, residues 1645-1665): PGDPGLPGKA[Gly1655=]ERGLRGAPGV